The following is an entry in ClinVar:

GRCh37/hg19 11p12-11.2(chr11:40117145-46920718)x1

Genes: CD82 (CD82 molecule; plus strand), CHRM4 (cholinergic receptor muscarinic 4; minus strand), CHST1 (carbohydrate sulfotransferase 1; minus strand), CKAP5 (cytoskeleton associated protein 5; minus strand), LRP4 (LDL receptor related protein 4; minus strand) and 30 more. Cytogenetic location: 11p12-11.2.
Variant type: copy number loss.
Change: copy number 1 (one copy instead of two) of chr11:40,117,145-46,920,718 (6.80 Mb, GRCh37 coordinates, 1-based), cytogenetic band 11p12-11.2.
Identifiers: ClinVar variation 1340048 (VCV001340048.1).

ClinVar aggregate classification (germline): Pathogenic (0 of 4 stars; one submission).

Submission:

Quest Diagnostics Nichols Institute San Juan Capistrano
Classification: Pathogenic. Last evaluated: 2021-03-01. Review status: no assertion criteria provided. Collection method: clinical testing. Allele origin: germline.
Comment: This imbalance is expected to cause phenotypic and/or developmental abnormalities. The deleted segment encompasses the Potocki-Shaffer syndrome (OMIM #601224) region which is a rare contiguous gene deletion syndrome characterized by craniofacial abnormalities, developmental delay, intellectual disability, sensorineural hearing loss, autistic behaviors, multiple exostoses, and biparietal foramina (Swarr et al., Am J Med Genet A. 2010 Mar;152A(3):565-72; PMID: 20140962).